The following is an entry in ClinVar:

NM_002454.3(MTRR):c.1243C>T (p.Arg415Cys)

Gene: MTRR (5-methyltetrahydrofolate-homocysteine methyltransferase reductase; plus strand). Cytogenetic location: 5p15.31.
Variant type: single nucleotide variant.
Coding change: c.1243C>T on transcript NM_002454.3 (MANE Select); coding-DNA position 1243, C replaced by T.
Protein change: p.Arg415Cys; replaces arginine 415 with cysteine.
Molecular consequence: missense variant. On other transcripts: non-coding transcript variant (14).
Genome position (GRCh38, 1-based): chr5:7,889,191, C>T. VCF-style: chr5-7889191-C-T. GRCh37 (hg19) VCF-style: chr5-7889304-C-T.
Other names: p.R442C:CGC>TGC; p.Arg415Cys; c.1243C>T, p.Arg415Cys (NM_001364440.2, NM_001364441.2, NM_001364442.2 and 1 more transcripts); short protein forms R415C.
Identifiers: ClinVar variation 138293 (VCV000138293.16), dbSNP rs2287780, ClinGen allele CA292220.

ClinVar aggregate classification (germline): Benign. Review status: criteria provided, multiple submitters, no conflicts (2 of 4 stars). 6 submissions from 6 submitters: Benign (5). 1 of the submissions does not count toward it. Last evaluated 2026-02-04.

Conditions:
Disorders of Intracellular Cobalamin Metabolism. Identifiers: MedGen CN043592.
Methylcobalamin deficiency type cblE (HMAE). Also called: HOMOCYSTINURIA-MEGALOBLASTIC ANEMIA, cblE COMPLEMENTATION TYPE; HOMOCYSTINURIA-MEGALOBLASTIC ANEMIA, cblE TYPE; VITAMIN B12-RESPONSIVE HOMOCYSTINURIA, cblE TYPE. Identifiers: Orphanet 2169, Orphanet 622, MedGen C1856057, MONDO:0009354, OMIM 236270.

Allele frequency attached by ClinVar (database versions not stated): ESP Exome Variant Server 0.02768; gnomAD exomes 0.03922 and 0.06134; gnomAD 0.04230 and 0.04400; TOPMed 0.04475; ExAC 0.05660; 1000 Genomes Project 30x 0.06621; 1000 Genomes Project 0.06789.

Submissions (6):

Labcorp Genetics (formerly Invitae), Labcorp
Classification: Benign for Methylcobalamin deficiency type cblE. Last evaluated: 2026-02-04. Review status: criteria provided, single submitter. Criteria: Invitae Variant Classification Sherloc (09022015). Collection method: clinical testing. Allele origin: germline.

Mayo Clinic Laboratories, Mayo Clinic
Classification: Benign. Last evaluated: 2021-04-07. Review status: criteria provided, single submitter. Criteria: ACMG Guidelines, 2015. Collection method: clinical testing. Allele origin: germline. Observed: 5 variant alleles.

Illumina Laboratory Services, Illumina
Classification: Benign for Disorders of Intracellular Cobalamin Metabolism. Last evaluated: 2018-01-13. Review status: criteria provided, single submitter. Criteria: ICSL Variant Classification Criteria 13 December 2019. Collection method: clinical testing. Allele origin: germline.
Comment: This variant was observed in the ICSL laboratory as part of a predisposition screen in an ostensibly healthy population. It had not been previously curated by ICSL or reported in the Human Gene Mutation Database (HGMD: prior to June 1st, 2018), and was therefore a candidate for classification through an automated scoring system. Utilizing variant allele frequency, disease prevalence and penetrance estimates, and inheritance mode, an automated score was calculated to assess if this variant is too frequent to cause the disease. Based on the score and internal cut-off values, a variant classified as benign is not then subjected to further curation. The score for this variant resulted in a classification of benign for this disease.

GeneDx
Classification: Benign. Last evaluated: 2014-01-23. Review status: criteria provided, single submitter. Criteria: GeneDx Variant Classification (06012015). Collection method: clinical testing. Allele origin: germline. Affected: yes.
Comment: This variant is considered likely benign or benign based on one or more of the following criteria: it is a conservative change, it occurs at a poorly conserved position in the protein, it is predicted to be benign by multiple in silico algorithms, and/or has population frequency not consistent with disease.

Breakthrough Genomics
Classification: Benign. Review status: criteria provided, single submitter. Criteria: ACMG Guidelines, 2015. Collection method: not provided. Allele origin: germline. Inheritance: Autosomal recessive inheritance. Affected: yes.

Natera, Inc.
Classification: Benign for CblE complementation type homocystinuria-megaloblastic anemia due to defect in cobalamin metabolism. Last evaluated: 2020-09-16. Review status: no assertion criteria provided. Collection method: clinical testing. Allele origin: germline. Not counted in ClinVar's aggregate classification.